The following is an entry in ClinVar:

NM_000352.6(ABCC8):c.878A>G (p.His293Arg)

Gene: ABCC8 (ATP binding cassette subfamily C member 8; minus strand). Cytogenetic location: 11p15.1.
Variant type: single nucleotide variant.
Coding change: c.878A>G on transcript NM_000352.6 (MANE Select); coding-DNA position 878, A replaced by G.
Protein change: p.His293Arg; replaces histidine 293 with arginine.
Molecular consequence: missense variant. On other transcripts: non-coding transcript variant (1).
Genome position (GRCh38, 1-based): chr11:17,460,621, T>C on the plus strand (A>G on the coding strand, the complement: ABCC8 is on the minus strand). VCF-style: chr11-17460621-T-C. GRCh37 (hg19) VCF-style: chr11-17482168-T-C.
Other names: c.878A>G (NM_000352.4); c.878A>G, p.His293Arg (NM_001287174.3, NM_001351295.2); c.875A>G, p.His292Arg (NM_001351296.2, NM_001351297.2); short protein forms H292R, H293R.
Identifiers: ClinVar variation 1693115 (VCV001693115.4), dbSNP rs587783175, ClinGen allele CA379777373.

ClinVar aggregate classification (germline): Uncertain significance. Review status: criteria provided, multiple submitters, no conflicts (2 of 4 stars). 4 submissions from 3 submitters: Uncertain significance (3). 1 of the submissions does not count toward it. Last evaluated 2024-04-25.

Conditions:
Diabetes mellitus, transient neonatal, 2 (TNDM2). Identifiers: Orphanet 99886, MedGen C1835887, MONDO:0012480, OMIM 610374. Disease mechanism: loss of function.
Hyperinsulinemic hypoglycemia, familial, 1 (HHF1). Also called: HYPERINSULINISM, FAMILIAL, WITH PANCREATIC NESIDIOBLASTOSIS; HYPOGLYCEMIA, HYPERINSULINEMIC, OF INFANCY; NESIDIOBLASTOSIS OF PANCREAS; Persistent hyperinsulinemic hypoglycemia of infancy; Persistent Hyperinsulinemia Hypoglycemia of Infancy. Identifiers: Orphanet 276575, Orphanet 276598, MedGen C2931832, MONDO:0009734, OMIM 256450.
Leucine-induced hypoglycemia (LIH). Also called: LEUCINE-SENSITIVE HYPOGLYCEMIA OF INFANCY. Identifiers: MedGen C0271714, MONDO:0009415, OMIM 240800.
Type 2 diabetes mellitus. Also called: Type II diabetes mellitus. Identifiers: MedGen C0011860, MeSH D003924, MONDO:0005148, OMIM 125853, HP:0005978.
Diabetes mellitus, permanent neonatal 3. Also called: ABCC8-Related Permanent Neonatal Diabetes Mellitus. Identifiers: MedGen C5394303, MONDO:0030088, OMIM 618857.
ABCC8-related disorder.
Maturity-onset diabetes of the young (MODY). Also called: Maturity onset diabetes mellitus in young. Identifiers: Orphanet 552, MedGen C0342276, MONDO:0018911, HP:0004904.
Transitory neonatal diabetes mellitus. Also called: Transient neonatal diabetes mellitus. Identifiers: MedGen C0342273, MONDO:0020525, HP:0008255.

Submissions (4):

Fulgent Genetics
Classification: Uncertain significance for Type 2 diabetes mellitus; Leucine-induced hypoglycemia; Hyperinsulinemic hypoglycemia, familial, 1; Diabetes mellitus, transient neonatal, 2; Diabetes mellitus, permanent neonatal 3. Last evaluated: 2024-04-25. Review status: criteria provided, single submitter. Criteria: ACMG Guidelines, 2015. Collection method: clinical testing. Allele origin: germline.

Clinical Genomics, Uppaluri K&H Personalized Medicine Clinic
Classification: Uncertain significance for Transitory neonatal diabetes mellitus. Review status: criteria provided, single submitter. Criteria: K & H Uppaluri Personalized Medicine Clinic Variant Classification & Assertion Criteria_Updated V.1. Collection method: research. Allele origin: unknown.
Comment: Mutations in ABCC8 gene are associated with both neonatal diabetes mellitus as well as MODY. Patients with this mutation may have a better response to sulfonylureas. However, no sufficient evidence is found to ascertain the role of this particular variant ( rs587783175) in neonatal diabetes yet.

Clinical Genomics, Uppaluri K&H Personalized Medicine Clinic
Classification: Uncertain significance for Maturity-onset diabetes of the young. Review status: criteria provided, single submitter. Criteria: K & H Uppaluri Personalized Medicine Clinic Variant Classification & Assertion Criteria_Updated V.1. Collection method: research. Allele origin: unknown. Inheritance: Autosomal dominant inheritance.
Comment: Mutations in ABCC8 gene are associated with both neonatal diabetes mellitus as well as MODY. Patients with this mutation may have a better response to sulfonylureas. However, no sufficient evidence is found to ascertain the role of this particular variant ( rs587783175) in MODY yet.

PreventionGenetics, part of Exact Sciences
Classification: Uncertain significance for ABCC8-related condition. Last evaluated: 2024-02-21. Review status: no assertion criteria provided. Collection method: clinical testing. Allele origin: germline. Not counted in ClinVar's aggregate classification.
Comment: The ABCC8 c.878A>G variant is predicted to result in the amino acid substitution p.His293Arg. To our knowledge, this variant has not been reported in the literature in individuals with ABCC8- related disease. This variant has not been reported in a large population database, indicating this variant is rare. A different substitution affecting the same amino acid (p.His293Pro) has been reported in an individual with hyperinsulinism (De Franco et al. 2020. PubMed ID: 32027066). At this time, the clinical significance of this variant is uncertain due to the absence of conclusive functional and genetic evidence.

Literature cited by the submitters: PubMed 16885549 (cited by Clinical Genomics, Uppaluri K&H Personalized Medicine Clinic); PubMed 21989597 (cited by Clinical Genomics, Uppaluri K&H Personalized Medicine Clinic); PubMed 27538677 (cited by Clinical Genomics, Uppaluri K&H Personalized Medicine Clinic); PubMed 18981553 (cited by Clinical Genomics, Uppaluri K&H Personalized Medicine Clinic); PubMed 32027066 (cited by Clinical Genomics, Uppaluri K&H Personalized Medicine Clinic); PubMed 16613899 (cited by Clinical Genomics, Uppaluri K&H Personalized Medicine Clinic); PubMed 18025408 (cited by Clinical Genomics, Uppaluri K&H Personalized Medicine Clinic); PubMed 32792356 (cited by Clinical Genomics, Uppaluri K&H Personalized Medicine Clinic).